The following is an entry in ClinVar:

NM_006231.4(POLE):c.2159A>G (p.Lys720Arg)

Gene: POLE (DNA polymerase epsilon, catalytic subunit; minus strand). Cytogenetic location: 12q24.33.
Variant type: single nucleotide variant.
Coding change: c.2159A>G on transcript NM_006231.4 (MANE Select); coding-DNA position 2159, A replaced by G.
Protein change: p.Lys720Arg; replaces lysine 720 with arginine.
Molecular consequence: missense variant.
Genome position (GRCh38, 1-based): chr12:132,668,370, T>C on the plus strand (A>G on the coding strand, the complement: POLE is on the minus strand). VCF-style: chr12-132668370-T-C. GRCh37 (hg19) VCF-style: chr12-133244956-T-C.
Other names: c.2159A>G (NM_006231.2); short protein forms K720R.
Identifiers: ClinVar variation 950472 (VCV000950472.10), dbSNP rs2042842669, ClinGen allele CA387353572.

ClinVar aggregate classification (germline): Uncertain significance. Review status: criteria provided, multiple submitters, no conflicts (2 of 4 stars). 2 submissions from 2 submitters: Uncertain significance (2). Last evaluated 2025-02-26.

Conditions:
Hereditary cancer-predisposing syndrome. Also called: Tumor predisposition; Hereditary neoplastic syndrome; Neoplastic Syndromes, Hereditary; Hereditary Cancer Syndrome. Identifiers: Orphanet 140162, MedGen C0027672, MeSH D009386, MONDO:0015356.

Allele frequency attached by ClinVar (database versions not stated): gnomAD exomes below 0.00001.
gnomAD v4.1: 1 of 1,582,110 alleles (0.000063%); highest among the groups gnomAD compares: African/African-American, 0.0014%; no homozygotes.

Submissions (2):

Labcorp Genetics (formerly Invitae), Labcorp
Classification: Uncertain significance. Last evaluated: 2025-02-26. Review status: criteria provided, single submitter. Criteria: Invitae Variant Classification Sherloc (09022015). Collection method: clinical testing. Allele origin: germline.
Comment: This sequence change replaces lysine, which is basic and polar, with arginine, which is basic and polar, at codon 720 of the POLE protein (p.Lys720Arg). This variant is not present in population databases (gnomAD no frequency). This variant has not been reported in the literature in individuals affected with POLE-related conditions. ClinVar contains an entry for this variant (Variation ID: 950472). Invitae Evidence Modeling of protein sequence and biophysical properties (such as structural, functional, and spatial information, amino acid conservation, physicochemical variation, residue mobility, and thermodynamic stability) indicates that this missense variant is not expected to disrupt POLE protein function with a negative predictive value of 80%. In summary, the available evidence is currently insufficient to determine the role of this variant in disease. Therefore, it has been classified as a Variant of Uncertain Significance.

Ambry Genetics
Classification: Uncertain significance for Hereditary cancer-predisposing syndrome. Last evaluated: 2023-10-25. Review status: criteria provided, single submitter. Criteria: Ambry Variant Classification Scheme 2023. Collection method: clinical testing. Allele origin: germline.
Comment: The p.K720R variant (also known as c.2159A>G), located in coding exon 19 of the POLE gene, results from an A to G substitution at nucleotide position 2159. The lysine at codon 720 is replaced by arginine, an amino acid with highly similar properties. This amino acid position is conserved. In addition, this alteration is predicted to be tolerated by in silico analysis. Since supporting evidence is limited at this time, the clinical significance of this alteration remains unclear.